The following is an entry in ClinVar:

ClinVar aggregate classification (germline): Uncertain significance (1 of 4 stars; one submission).

Conditions:
Primary ciliary dyskinesia. Also called: Ciliary dyskinesia. Identifiers: Orphanet 244, MedGen C0008780, MONDO:0016575, HP:0012265.

Submission:

Labcorp Genetics (formerly Invitae), Labcorp
Classification: Uncertain significance for Primary ciliary dyskinesia. Last evaluated: 2019-12-12. Review status: criteria provided, single submitter. Criteria: Invitae Variant Classification Sherloc (09022015). Collection method: clinical testing. Allele origin: germline.
Comment: A gross duplication of the genomic region encompassing the full coding sequence of the RSPH1 gene has been identified. The boundaries of this event are unknown as the duplication extends beyond the assayed region for this gene and therefore may encompass additional genes. As the precise location of this duplication is unknown, it may be in tandem or it may be located elsewhere in the genome. This variant has not been reported in the literature in individuals with RSPH1-related disease. Experimental studies are not available for this duplication, and the functional significance of the extra copy of the RSPH1 gene is currently unknown. In summary, the available evidence is currently insufficient to determine the role of this variant in disease. Therefore, it has been classified as a Variant of Uncertain Significance.

NC_000021.8:g.(?_43892908)_(45629566_?)dup

Genes: WDR4 (WDR4 tRNA N7-guanosine methyltransferase non-catalytic subunit; minus strand), PWP2 (PWP2 small subunit processome component; plus strand), RRP1 (ribosomal RNA processing 1; plus strand), AGPAT3 (1-acylglycerol-3-phosphate O-acyltransferase 3; plus strand), NDUFV3 (NADH:ubiquinone oxidoreductase subunit V3; plus strand) and 14 more. Cytogenetic location: 21q22.3.
Variant type: Duplication.
Identifiers: ClinVar variation 454509 (VCV000454509.3).